The following is an entry in ClinVar:

NM_018699.4(PRDM5):c.1516G>A (p.Val506Ile)

Gene: PRDM5 (PR/SET domain 5; minus strand). Cytogenetic location: 4q27.
Variant type: single nucleotide variant.
Coding change: c.1516G>A on transcript NM_018699.4 (MANE Select); coding-DNA position 1516, G replaced by A.
Protein change: p.Val506Ile; replaces valine 506 with isoleucine.
Molecular consequence: missense variant.
Genome position (GRCh38, 1-based): chr4:120,777,209, C>T on the plus strand (G>A on the coding strand, the complement: PRDM5 is on the minus strand). VCF-style: chr4-120777209-C-T. GRCh37 (hg19) VCF-style: chr4-121698364-C-T.
Other names: c.1423G>A, p.Val475Ile (NM_001300823.2, NM_001300824.2, NM_001379106.1); c.1549G>A, p.Val517Ile (NM_001379104.1); short protein forms V506I, V475I, V517I.
Identifiers: ClinVar variation 1774322 (VCV001774322.3), dbSNP rs1354865739, ClinGen allele CA358208333.

ClinVar aggregate classification (germline): Uncertain significance (1 of 4 stars; one submission).

Conditions:
Cardiovascular phenotype. Identifiers: MedGen CN230736.

Allele frequency attached by ClinVar (database versions not stated): gnomAD 0.00001; TOPMed 0.00002.
gnomAD v4.1: 1 of 1,613,256 alleles (0.000062%); highest among the groups gnomAD compares: African/African-American, 0.0013%; no homozygotes.

Submission:

Ambry Genetics
Classification: Uncertain significance for Cardiovascular phenotype. Last evaluated: 2025-04-02. Review status: criteria provided, single submitter. Criteria: Ambry Variant Classification Scheme 2023. Collection method: clinical testing. Allele origin: germline.
Comment: The p.V506I variant (also known as c.1516G>A), located in coding exon 13 of the PRDM5 gene, results from a G to A substitution at nucleotide position 1516. The valine at codon 506 is replaced by isoleucine, an amino acid with highly similar properties. This amino acid position is conserved. In addition, this alteration is predicted to be tolerated by in silico analysis. Since supporting evidence is limited at this time, the clinical significance of this alteration remains unclear.